The following is an entry in ClinVar:

ClinVar aggregate classification (germline): Uncertain significance. Review status: criteria provided, multiple submitters, no conflicts (2 of 4 stars). 2 submissions from 2 submitters: Uncertain significance (2). Last evaluated 2024-02-19.

Conditions:
Pseudohypoaldosteronism type 2C (PHA2C). Also called: Pseudohypoaldosteronism Type IIC. Identifiers: Orphanet 757, Orphanet 88940, MedGen C1840391, MONDO:0013778, OMIM 614492.
Neuropathy, hereditary sensory and autonomic, type 2A (HSAN2A). Also called: ACROOSTEOLYSIS, GIACCAI TYPE; ACROOSTEOLYSIS, NEUROGENIC; HSAN IIA; WNK1-Related HSAN2 (HSAN2A); MORVAN DISEASE; NEUROPATHY, CONGENITAL SENSORY. Identifiers: Orphanet 970, MedGen C2752089, MONDO:0024309, OMIM 201300.

gnomAD v4.1: 1 of 1,614,022 alleles (0.000062%); highest among the groups gnomAD compares: Admixed American, 0.0017%; no homozygotes.

Submissions (2):

Fulgent Genetics
Classification: Uncertain significance for Neuropathy, hereditary sensory and autonomic, type 2A; Pseudohypoaldosteronism type 2C. Last evaluated: 2024-02-19. Review status: criteria provided, single submitter. Criteria: ACMG Guidelines, 2015. Collection method: clinical testing. Allele origin: germline.

Labcorp Genetics (formerly Invitae), Labcorp
Classification: Uncertain significance for Neuropathy, hereditary sensory and autonomic, type 2A; Pseudohypoaldosteronism type 2C. Last evaluated: 2018-09-26. Review status: criteria provided, single submitter. Criteria: Invitae Variant Classification Sherloc (09022015). Collection method: clinical testing. Allele origin: germline.
Comment: This sequence change replaces glycine with serine at codon 1565 of the WNK1 protein (p.Gly1565Ser). The glycine residue is moderately conserved and there is a small physicochemical difference between glycine and serine. This variant is not present in population databases (ExAC no frequency). This variant has not been reported in the literature in individuals with WNK1-related disease. Algorithms developed to predict the effect of missense changes on protein structure and function output the following: SIFT: "Tolerated"; PolyPhen-2: "Benign"; Align-GVGD: "Class C0". The serine amino acid residue is found in multiple mammalian species, suggesting that this missense change does not adversely affect protein function. These predictions have not been confirmed by published functional studies and their clinical significance is uncertain. In summary, the available evidence is currently insufficient to determine the role of this variant in disease. Therefore, it has been classified as a Variant of Uncertain Significance.

NM_018979.4(WNK1):c.4693G>A (p.Gly1565Ser)

Gene: WNK1 (WNK lysine deficient protein kinase 1; plus strand). Cytogenetic location: 12p13.33.
Variant type: single nucleotide variant.
Coding change: c.4693G>A on transcript NM_018979.4 (MANE Select); coding-DNA position 4693, G replaced by A.
Protein change: p.Gly1565Ser; replaces glycine 1565 with serine.
Molecular consequence: missense variant.
Genome position (GRCh38, 1-based): chr12:885,497, G>A. VCF-style: chr12-885497-G-A. GRCh37 (hg19) VCF-style: chr12-994663-G-A.
Other names: c.5473G>A, p.Gly1825Ser (NM_001184985.2); c.3952G>A, p.Gly1318Ser (NM_014823.3); c.5449G>A, p.Gly1817Ser (NM_213655.5); short protein forms G1817S, G1318S, G1565S, G1825S.
Identifiers: ClinVar variation 663090 (VCV000663090.9), dbSNP rs563801917, ClinGen allele CA231479338.